The following is an entry in ClinVar:

GRCh37/hg19 1q21.1-21.2(chr1:145740598-147825678)

Genes: NBPF12 (NBPF member 12; plus strand), PDZK1 (PDZ domain containing 1; minus strand), PRKAB2 (protein kinase AMP-activated non-catalytic subunit beta 2; minus strand), ACP6 (acid phosphatase 6, lysophosphatidic; minus strand), BCL9 (BCL9 transcription coactivator; plus strand) and 7 more. Cytogenetic location: 1q21.1-21.2.
Variant type: copy number gain.
Identifiers: ClinVar variation 625818 (VCV000625818.1).

ClinVar aggregate classification (germline): Pathogenic (1 of 4 stars; one submission).

Conditions:
Chromosome 1q21.1 duplication syndrome. Also called: 1q21.1 recurrent microduplication. Identifiers: Orphanet 250994, MedGen C2675891, MONDO:0012915, OMIM 612475.

Submission:

Baylor Genetics
Classification: Pathogenic for Chromosome 1q21.1 duplication syndrome. Last evaluated: 2018-11-01. Review status: criteria provided, single submitter. Criteria: ACMG CNV Guidelines, 2011. Collection method: clinical testing. Allele origin: germline. Observed: 1 variant allele.